The following is an entry in ClinVar:

NM_020693.4(DSCAML1):c.4890G>A (p.Leu1630=)

Gene: DSCAML1 (DS cell adhesion molecule like 1; minus strand). Cytogenetic location: 11q23.3.
Variant type: single nucleotide variant.
Coding change: c.4890G>A on transcript NM_020693.4 (MANE Select); coding-DNA position 4890, G replaced by A.
Protein change: p.Leu1630=; no amino-acid change (leucine 1630 retained).
Molecular consequence: synonymous variant.
Genome position (GRCh38, 1-based): chr11:117,433,458, C>T on the plus strand (G>A on the coding strand, the complement: DSCAML1 is on the minus strand). VCF-style: chr11-117433458-C-T. GRCh37 (hg19) VCF-style: chr11-117304174-C-T.
Other names: c.5070G>A (NM_020693.3).
Identifiers: ClinVar variation 1597983 (VCV001597983.10), dbSNP rs35399839, ClinGen allele CA6296232.
Genomic context (GRCh38, chr11:117,433,458, plus strand): 5'-AGGGGAGAAGGGAGGAGAAAGGAAGCAGCTTGGTGATACCCACCTTATCAACATTTCTGC[C>T]AAACTCTTTGCATCTGCAAAACAGTAGAGGGAGAGGAGGGCTGGGTGAGAATGAAGTTTG-3'
Protein context (NP_065744.3, residues 1620-1640): RLKRLRDAKS[Leu1630=]AEMLISKNNR

ClinVar aggregate classification (germline): Likely benign. Review status: criteria provided, single submitter (1 of 4 stars). 2 submissions from 2 submitters: Likely benign (1). 1 of the submissions does not count toward it. Last evaluated 2025-12-30.

Conditions:
DSCAML1-related disorder. Also called: DSCAML1-related condition.

Allele frequency attached by ClinVar (database versions not stated): 1000 Genomes Project 0.00020; 1000 Genomes Project 30x 0.00031; gnomAD 0.00120 and 0.00125; gnomAD exomes 0.00121 and 0.00217; TOPMed 0.00127; ExAC 0.00137; ESP Exome Variant Server 0.00139.
gnomAD v4.1: 3,300 of 1,613,064 alleles (0.2%); highest among the groups gnomAD compares: Non-Finnish European, 0.26%; 4 homozygotes.

Submissions (2):

Labcorp Genetics (formerly Invitae), Labcorp
Classification: Likely benign. Last evaluated: 2025-12-30. Review status: criteria provided, single submitter. Criteria: Invitae Variant Classification Sherloc (09022015). Collection method: clinical testing. Allele origin: germline.

PreventionGenetics, part of Exact Sciences
Classification: Likely benign for DSCAML1-related condition. Last evaluated: 2019-05-27. Review status: no assertion criteria provided. Collection method: clinical testing. Allele origin: germline. Not counted in ClinVar's aggregate classification.
Comment: This variant is classified as likely benign based on ACMG/AMP sequence variant interpretation guidelines (Richards et al. 2015 PMID: 25741868, with internal and published modifications).